The following is an entry in ClinVar:

NM_024407.5(NDUFS7):c.125C>G (p.Thr42Ser)

Gene: NDUFS7 (NADH:ubiquinone oxidoreductase core subunit S7; plus strand). Cytogenetic location: 19p13.3.
Variant type: single nucleotide variant.
Coding change: c.125C>G on transcript NM_024407.5 (MANE Select); coding-DNA position 125, C replaced by G.
Protein change: p.Thr42Ser; replaces threonine 42 with serine.
Molecular consequence: missense variant.
Genome position (GRCh38, 1-based): chr19:1,388,835, C>G. VCF-style: chr19-1388835-C-G. GRCh37 (hg19) VCF-style: chr19-1388834-C-G.
Other names: c.125C>G, p.Thr42Ser (NM_001363602.2); short protein forms T42S.
Identifiers: ClinVar variation 2627118 (VCV002627118.1), dbSNP rs762772605, ClinGen allele CA304057858.

ClinVar aggregate classification (germline): Uncertain significance (1 of 4 stars; one submission).

gnomAD v4.1: 17 of 1,593,232 alleles (0.0011%); highest among the groups gnomAD compares: Middle Eastern, 0.28%; no homozygotes.

Submission:

Women's Health and Genetics/Laboratory Corporation of America, LabCorp
Classification: Uncertain significance. Last evaluated: 2023-09-05. Review status: criteria provided, single submitter. Criteria: LabCorp Variant Classification Summary - May 2015. Collection method: clinical testing. Allele origin: germline.
Comment: Variant summary: NDUFS7 c.125C>G (p.Thr42Ser) results in a conservative amino acid change in the encoded protein sequence. Five of five in-silico tools predict a benign effect of the variant on protein function. Several computational tools predict a significant impact on normal splicing: 1/3 predict the variant weakens a canonical 3' acceptor site and 2/2 predict the variant creates a cryptic 3' acceptor site 3nt into exon 4. However, these predictions have yet to be confirmed by functional studies. The variant was absent in 213894 control chromosomes (gnomAD). The available data on variant occurrences in the general population are insufficient to allow any conclusion about variant significance. To our knowledge, no occurrence of c.125C>G in individuals affected with Leigh Syndrome and no experimental evidence demonstrating its impact on protein function have been reported. No submitters have cited clinical-significance assessments for this variant to ClinVar after 2014. Based on the evidence outlined above, the variant was classified as uncertain significance.